The following is an entry in ClinVar:

NM_001367624.2(ZNF469):c.961G>T (p.Gly321Cys)

Gene: ZNF469 (zinc finger protein 469; plus strand). Cytogenetic location: 16q24.2.
Variant type: single nucleotide variant.
Coding change: c.961G>T on transcript NM_001367624.2 (MANE Select); coding-DNA position 961, G replaced by T.
Protein change: p.Gly321Cys; replaces glycine 321 with cysteine.
Molecular consequence: missense variant.
Genome position (GRCh38, 1-based): chr16:88,428,431, G>T. VCF-style: chr16-88428431-G-T. GRCh37 (hg19) VCF-style: chr16-88494839-G-T.
Other names: NM_001127464.1:c.961G>T; short protein forms G321C.
Identifiers: ClinVar variation 3907930 (VCV003907930.1).

ClinVar aggregate classification (germline): Uncertain significance (1 of 4 stars; one submission).

gnomAD v4.1: 1 of 1,548,144 alleles (0.000065%); highest among the groups gnomAD compares: African/African-American, 0.0014%; no homozygotes.

Submission:

GeneDx
Classification: Uncertain significance. Last evaluated: 2024-12-31. Review status: criteria provided, single submitter. Criteria: GeneDx Variant Classification Process June 2021. Collection method: clinical testing. Allele origin: germline. Affected: yes.
Comment: Not observed at significant frequency in large population cohorts (gnomAD); In silico analysis supports that this missense variant has a deleterious effect on protein structure/function; Has not been previously published as pathogenic or benign to our knowledge